The following is an entry in ClinVar:

NM_004974.4(KCNA2):c.986G>C (p.Gly329Ala)

Gene: KCNA2 (potassium voltage-gated channel subfamily A member 2; minus strand). Cytogenetic location: 1p13.3.
Variant type: single nucleotide variant.
Coding change: c.986G>C on transcript NM_004974.4 (MANE Select); coding-DNA position 986, G replaced by C.
Protein change: p.Gly329Ala; replaces glycine 329 with alanine.
Molecular consequence: missense variant. On other transcripts: intron variant (1).
Genome position (GRCh38, 1-based): chr1:110,603,797, C>G on the plus strand (G>C on the coding strand, the complement: KCNA2 is on the minus strand). VCF-style: chr1-110603797-C-G. GRCh37 (hg19) VCF-style: chr1-111146419-C-G.
Other names: c.894+92G>C (NM_001204269.2); short protein forms G329A.
Identifiers: ClinVar variation 4709769 (VCV004709769.1).

ClinVar aggregate classification (germline): Uncertain significance (1 of 4 stars; one submission).

Conditions:
Developmental and epileptic encephalopathy, 32 (DEE32). Also called: Epileptic encephalopathy, early infantile, 32. Identifiers: Orphanet 442835, MedGen C4225350, MONDO:0014607, OMIM 616366.

Submission:

Labcorp Genetics (formerly Invitae), Labcorp
Classification: Uncertain significance for Developmental and epileptic encephalopathy, 32. Last evaluated: 2025-09-28. Review status: criteria provided, single submitter. Criteria: Invitae Variant Classification Sherloc (09022015). Collection method: clinical testing. Allele origin: germline.
Comment: This sequence change replaces glycine, which is neutral and non-polar, with alanine, which is neutral and non-polar, at codon 329 of the KCNA2 protein (p.Gly329Ala). This variant is not present in population databases (gnomAD no frequency). This variant has not been reported in the literature in individuals affected with KCNA2-related conditions. Invitae Evidence Modeling of protein sequence and biophysical properties (such as structural, functional, and spatial information, amino acid conservation, physicochemical variation, residue mobility, and thermodynamic stability) indicates that this missense variant is not expected to disrupt KCNA2 protein function with a negative predictive value of 95%. In summary, the available evidence is currently insufficient to determine the role of this variant in disease. Therefore, it has been classified as a Variant of Uncertain Significance.